The following is an entry in ClinVar:

ClinVar aggregate classification (germline): Uncertain significance. Review status: criteria provided, multiple submitters, no conflicts (2 of 4 stars). 8 submissions from 8 submitters: Uncertain significance (7). 1 of the submissions does not count toward it. Last evaluated 2026-01-27.

Conditions:
Classic or attenuated familial adenomatous polyposis. Identifiers: MedGen CN372698, MONDO:0021057.
Hereditary cancer-predisposing syndrome. Also called: Neoplastic Syndromes, Hereditary; Tumor predisposition; Hereditary Cancer Syndrome; Hereditary neoplastic syndrome. Identifiers: Orphanet 140162, MedGen C0027672, MeSH D009386, MONDO:0015356.
Familial adenomatous polyposis 1 (FAP1). Also called: FAMILIAL ADENOMATOUS POLYPOSIS 1, ATTENUATED; POLYPOSIS, ADENOMATOUS INTESTINAL. Identifiers: MedGen C2713442, MONDO:0021056, OMIM 175100. Disease mechanism: loss of function.
APC-related disorder. Also called: APC-related condition.

Allele frequency attached by ClinVar (database versions not stated): gnomAD 0.00001; gnomAD exomes 0.00001; TOPMed 0.00001.
gnomAD v4.1: 11 of 1,614,076 alleles (0.00068%); highest among the groups gnomAD compares: Middle Eastern, 0.15%; no homozygotes.

Submissions (8):

Labcorp Genetics (formerly Invitae), Labcorp
Classification: Uncertain significance for Familial adenomatous polyposis 1. Last evaluated: 2026-01-27. Review status: criteria provided, single submitter. Criteria: Invitae Variant Classification Sherloc (09022015). Collection method: clinical testing. Allele origin: germline.
Comment: This sequence change replaces serine, which is neutral and polar, with glycine, which is neutral and non-polar, at codon 105 of the APC protein (p.Ser105Gly). This variant is not present in population databases (gnomAD no frequency). This missense change has been observed in individual(s) with colon cancer (PMID: 37306523). ClinVar contains an entry for this variant (Variation ID: 482406). Invitae Evidence Modeling of protein sequence and biophysical properties (such as structural, functional, and spatial information, amino acid conservation, physicochemical variation, residue mobility, and thermodynamic stability) indicates that this missense variant is not expected to disrupt APC protein function with a negative predictive value of 95%. In summary, the available evidence is currently insufficient to determine the role of this variant in disease. Therefore, it has been classified as a Variant of Uncertain Significance.

Ambry Genetics
Classification: Uncertain significance for Hereditary cancer-predisposing syndrome. Last evaluated: 2025-11-06. Review status: criteria provided, single submitter. Criteria: Ambry Variant Classification Scheme 2023. Collection method: clinical testing. Allele origin: germline.
Comment: The p.S105G variant (also known as c.313A>G), located in coding exon 3 of the APC gene, results from an A to G substitution at nucleotide position 313. The serine at codon 105 is replaced by glycine, an amino acid with similar properties. This amino acid position is highly conserved in available vertebrate species. In addition, in silico predictors for this gene do not accurately predict pathogenicity. Missense alterations in APC are not a common cause of disease (Spier I et al. Genet Med. 2024 Feb;26(2):100992). Based on the available evidence, the clinical significance of this variant remains unclear.

Mayo Clinic Laboratories, Mayo Clinic
Classification: Uncertain significance. Last evaluated: 2025-06-06. Review status: criteria provided, single submitter. Criteria: ACMG Guidelines, 2015. Collection method: clinical testing. Allele origin: germline. Observed: 2 variant alleles.
Comment: BP1, PM2_supporting

All of Us Research Program, National Institutes of Health
Classification: Uncertain significance for Classic or attenuated familial adenomatous polyposis. Last evaluated: 2024-09-23. Review status: criteria provided, single submitter. Criteria: ACMG Guidelines, 2015. Collection method: clinical testing. Allele origin: germline. Inheritance: Autosomal dominant inheritance. Observed: 2 variant alleles, 1 heterozygote, 1 homozygote.
Comment: This missense variant replaces serine with glycine at codon 105 of the APC protein. Computational prediction suggests that this variant may not impact protein structure and function (internally defined REVEL score threshold <= 0.5, PMID: 27666373). To our knowledge, functional studies have not been reported for this variant. This variant has been reported in an individual affected with colorectal cancer (PMID: 26900293). This variant has not been identified in the general population by the Genome Aggregation Database (gnomAD) but has been reported in a healthy control individual (PMID: 32980694). The available evidence is insufficient to determine the role of this variant in disease conclusively. Therefore, this variant is classified as a Variant of Uncertain Significance.

This study involves interpretation of variants in research participants for the purpose of population health screening. Participant phenotype was not available at the time of variant classification. Additional details can be found in publication PMID: 35346344, PMCID: PMC8962531

Baylor Genetics
Classification: Uncertain significance for Familial adenomatous polyposis 1. Last evaluated: 2024-03-19. Review status: criteria provided, single submitter. Criteria: ACMG Guidelines, 2015. Collection method: clinical testing. Allele origin: unknown.

Color Diagnostics, LLC DBA Color Health
Classification: Uncertain significance for Hereditary cancer-predisposing syndrome. Last evaluated: 2023-10-09. Review status: criteria provided, single submitter. Criteria: ACMG Guidelines, 2015. Collection method: clinical testing. Allele origin: germline.
Comment: This missense variant replaces serine with glycine at codon 105 of the APC protein. Computational prediction suggests that this variant may not impact protein structure and function (internally defined REVEL score threshold <= 0.5, PMID: 27666373). To our knowledge, functional studies have not been reported for this variant. This variant has been reported in an individual affected with colorectal cancer (PMID: 26900293). This variant has not been identified in the general population by the Genome Aggregation Database (gnomAD). The available evidence is insufficient to determine the role of this variant in disease conclusively. Therefore, this variant is classified as a Variant of Uncertain Significance.

GeneDx
Classification: Uncertain significance. Last evaluated: 2023-10-04. Review status: criteria provided, single submitter. Criteria: GeneDx Variant Classification Process June 2021. Collection method: clinical testing. Allele origin: germline. Affected: yes.
Comment: Not observed in large population cohorts (gnomAD); In silico analysis supports that this missense variant does not alter protein structure/function; Not observed in any cases, but was observed in unaffected controls from a biliary tract cancer study (Okawa et al., 2023); This variant is associated with the following publications: (PMID: 26900293, 36243179)

PreventionGenetics, part of Exact Sciences
Classification: Uncertain significance for APC-related condition. Last evaluated: 2024-03-07. Review status: no assertion criteria provided. Collection method: clinical testing. Allele origin: germline. Not counted in ClinVar's aggregate classification.
Comment: The APC c.313A>G variant is predicted to result in the amino acid substitution p.Ser105Gly. This variant has been reported in a patient with colorectal cancer and in patient with biliary tract cancer, although conclusive evidence of pathogenicity was not provided (Chang et al. 2016. PubMed ID: 26900293; Table S2, Okawa et al. 2023. PubMed ID: 36243179). This variant has not been reported in a large population database, indicating this variant is rare. This variant is interpreted as uncertain in ClinVar. At this time, the clinical significance of this variant is uncertain due to the absence of conclusive functional and genetic evidence.

Literature cited by the submitters: PubMed 37306523 (cited by Labcorp Genetics (formerly Invitae), Labcorp and Mayo Clinic Laboratories, Mayo Clinic); PubMed 26900293 (cited by 4 submitters); PubMed 36243179 (cited by Mayo Clinic Laboratories, Mayo Clinic); PubMed 32980694 (cited by All of Us Research Program, National Institutes of Health).

NM_000038.6(APC):c.313A>G (p.Ser105Gly)

Gene: APC (APC regulator of Wnt signaling pathway; plus strand). Cytogenetic location: 5q22.2.
Variant type: single nucleotide variant.
Coding change: c.313A>G on transcript NM_000038.6 (MANE Select); coding-DNA position 313, A replaced by G.
Protein change: p.Ser105Gly; replaces serine 105 with glycine.
Molecular consequence: missense variant. On other transcripts: 5 prime UTR variant (1).
Genome position (GRCh38, 1-based): chr5:112,767,281, A>G. VCF-style: chr5-112767281-A-G. GRCh37 (hg19) VCF-style: chr5-112102978-A-G.
Other names: p.Ser105Gly; c.313A>G, p.Ser105Gly (NM_001127510.3, NM_001354895.2, NM_001354896.2 and 2 more transcripts); c.343A>G, p.Ser115Gly (NM_001127511.3, NM_001354897.2, NM_001354902.2); c.238A>G, p.Ser80Gly (NM_001354898.2, NM_001354904.2); c.136A>G, p.Ser46Gly (NM_001354900.2, NM_001354901.2, NM_001354905.2); c.-723A>G (NM_001354906.2); short protein forms S105G, S115G, S46G, S80G.
Identifiers: ClinVar variation 482406 (VCV000482406.28), dbSNP rs776242276, ClinGen allele CA16022006.